The following is an entry in ClinVar:

NM_002202.3(ISL1):c.183G>A (p.Arg61=)

Gene: ISL1 (ISL LIM homeobox 1; plus strand). Cytogenetic location: 5q11.1.
Variant type: single nucleotide variant.
Coding change: c.183G>A on transcript NM_002202.3 (MANE Select); coding-DNA position 183, G replaced by A.
Protein change: p.Arg61=; no amino-acid change (arginine 61 retained).
Molecular consequence: synonymous variant.
Genome position (GRCh38, 1-based): chr5:51,384,695, G>A. VCF-style: chr5-51384695-G-A. GRCh37 (hg19) VCF-style: chr5-50680529-G-A.
Identifiers: ClinVar variation 4977565 (VCV004977565.1).

ClinVar aggregate classification (germline): Likely benign (1 of 4 stars; one submission).

Conditions:
ISL1-related disorder. Also called: ISL1-related condition.

gnomAD v4.1: 3 of 1,614,080 alleles (0.00019%); highest among the groups gnomAD compares: South Asian, 0.0011%; no homozygotes.

Submission:

PreventionGenetics, part of Exact Sciences
Classification: Likely benign for ISL1-related condition. Last evaluated: 2025-10-08. Review status: criteria provided, single submitter. Criteria: ACMG Guidelines, 2015. Collection method: clinical testing. Allele origin: germline.
Comment: This variant is classified as likely benign based on ACMG/AMP sequence variant interpretation guidelines (Richards et al. 2015 PMID: 25741868, with internal and published modifications).